The following is an entry in ClinVar:

NM_012431.3(SEMA3E):c.2055C>T (p.Asp685=)

Gene: SEMA3E (semaphorin 3E; minus strand). Cytogenetic location: 7q21.11.
Variant type: single nucleotide variant.
Coding change: c.2055C>T on transcript NM_012431.3 (MANE Select); coding-DNA position 2055, C replaced by T.
Protein change: p.Asp685=; no amino-acid change (aspartic acid 685 retained).
Molecular consequence: synonymous variant.
Genome position (GRCh38, 1-based): chr7:83,367,859, G>A on the plus strand (C>T on the coding strand, the complement: SEMA3E is on the minus strand). VCF-style: chr7-83367859-G-A. GRCh37 (hg19) VCF-style: chr7-82997175-G-A.
Other names: c.2055C>T (NM_012431.2); c.1875C>T, p.Asp625= (NM_001178129.2).
Identifiers: ClinVar variation 2139692 (VCV002139692.7), dbSNP rs534303369, ClinGen allele CA4321834.

ClinVar aggregate classification (germline): Likely benign. Review status: criteria provided, multiple submitters, no conflicts (2 of 4 stars). 3 submissions from 3 submitters: Likely benign (2). 1 of the submissions does not count toward it. Last evaluated 2025-11-23.

Conditions:
SEMA3E-related disorder. Also called: SEMA3E-related condition.
CHARGE syndrome (CHARGE). Also called: Hittner Hirsch Kreh syndrome; CHARGE ASSOCIATION--COLOBOMA, HEART ANOMALY, CHOANAL ATRESIA, RETARDATION, GENITAL AND EAR ANOMALIES; Coloboma, heart anomaly, choanal atresia, retardation, genital and ear anomalies; CHARGE association; Hall-Hittner syndrome. Identifiers: Orphanet 138, MedGen C0265354, MONDO:0008965.

Allele frequency attached by ClinVar (database versions not stated): gnomAD exomes 0.00001; ExAC 0.00002; gnomAD 0.00003; TOPMed 0.00003.
gnomAD v4.1: 22 of 1,612,654 alleles (0.0014%); highest among the groups gnomAD compares: African/African-American, 0.0094%; no homozygotes.

Submissions (3):

Labcorp Genetics (formerly Invitae), Labcorp
Classification: Likely benign for CHARGE syndrome. Last evaluated: 2025-11-23. Review status: criteria provided, single submitter. Criteria: Invitae Variant Classification Sherloc (09022015). Collection method: clinical testing. Allele origin: germline.

Blueprint Genetics
Classification: Likely benign. Last evaluated: 2024-05-28. Review status: criteria provided, single submitter. Criteria: ACMG Guidelines, 2015. Collection method: clinical testing. Allele origin: germline.

PreventionGenetics, part of Exact Sciences
Classification: Likely benign for SEMA3E-related condition. Last evaluated: 2024-02-07. Review status: no assertion criteria provided. Collection method: clinical testing. Allele origin: germline. Not counted in ClinVar's aggregate classification.
Comment: This variant is classified as likely benign based on ACMG/AMP sequence variant interpretation guidelines (Richards et al. 2015 PMID: 25741868, with internal and published modifications).